The following is an entry in ClinVar:

ClinVar aggregate classification (germline): Uncertain significance (1 of 4 stars; one submission).

Conditions:
Glycogen storage disease type III (GSD3). Also called: FORBES DISEASE; Cori disease. Identifiers: Orphanet 366, MedGen C0017922, MONDO:0009291, OMIM 232400.

Submission:

Labcorp Genetics (formerly Invitae), Labcorp
Classification: Uncertain significance for Glycogen storage disease type III. Last evaluated: 2022-07-29. Review status: criteria provided, single submitter. Criteria: Invitae Variant Classification Sherloc (09022015). Collection method: clinical testing. Allele origin: germline.
Comment: This sequence change replaces glutamine, which is neutral and polar, with lysine, which is basic and polar, at codon 1332 of the AGL protein (p.Gln1332Lys). This variant is not present in population databases (gnomAD no frequency). This variant has not been reported in the literature in individuals affected with AGL-related conditions. Algorithms developed to predict the effect of missense changes on protein structure and function (SIFT, PolyPhen-2, Align-GVGD) all suggest that this variant is likely to be tolerated. In summary, the available evidence is currently insufficient to determine the role of this variant in disease. Therefore, it has been classified as a Variant of Uncertain Significance.

NM_000642.3(AGL):c.3994C>A (p.Gln1332Lys)

Gene: AGL (amylo-alpha-1,6-glucosidase and 4-alpha-glucanotransferase; plus strand). Cytogenetic location: 1p21.2.
Variant type: single nucleotide variant.
Coding change: c.3994C>A on transcript NM_000642.3 (MANE Select); coding-DNA position 3994, C replaced by A.
Protein change: p.Gln1332Lys; replaces glutamine 1332 with lysine.
Molecular consequence: missense variant.
Genome position (GRCh38, 1-based): chr1:99,913,571, C>A. VCF-style: chr1-99913571-C-A. GRCh37 (hg19) VCF-style: chr1-100379127-C-A.
Other names: c.3994C>A, p.Gln1332Lys (NM_000028.3, NM_000643.3, NM_000644.3 and 1 more transcripts); c.3946C>A, p.Gln1316Lys (NM_000646.3); c.3973C>A, p.Gln1325Lys (NM_001425326.1); c.3793C>A, p.Gln1265Lys (NM_001425327.1); c.3790C>A, p.Gln1264Lys (NM_001425328.1); c.3655C>A, p.Gln1219Lys (NM_001425329.1); c.3616C>A, p.Gln1206Lys (NM_001425332.1); short protein forms Q1316K, Q1332K, Q1206K, Q1219K, Q1264K, Q1265K, Q1325K.
Identifiers: ClinVar variation 1963320 (VCV001963320.2), dbSNP rs776306220, ClinGen allele CA341339566.
Genomic context (GRCh38, chr1:99,913,571, plus strand): 5'-TTATGTCATTTTTCAGGAAAGGCTATAAAGGTCTCATATGATGAGTGGAACAGAAAAATA[C>A]AAGACAACTTTGAAAAGCTATTTCATGTTTCCGAAGACCCTTCAGATTTAAATGAAAAGC-3'
Protein context (NP_000633.2, residues 1322-1342): VSYDEWNRKI[Gln1332Lys]DNFEKLFHVS